The following is an entry in ClinVar:

ClinVar aggregate classification (germline): Uncertain significance. Review status: criteria provided, multiple submitters, no conflicts (2 of 4 stars). 2 submissions from 2 submitters: Uncertain significance (2). Last evaluated 2023-02-09.

Submissions (2):

Blueprint Genetics
Classification: Uncertain significance. Last evaluated: 2023-02-09. Review status: criteria provided, single submitter. Criteria: ACMG Guidelines, 2015. Collection method: clinical testing. Allele origin: germline.

Greenwood Genetic Center Diagnostic Laboratories, Greenwood Genetic Center
Classification: Uncertain significance. Last evaluated: 2022-01-11. Review status: criteria provided, single submitter. Criteria: ACMG Guidelines, 2015. Collection method: clinical testing. Allele origin: germline. Affected: yes.
Comment: Gene of Uncertain Significance

NM_014983.3(HMGXB3):c.137+2T>C

Gene: HMGXB3 (HMG-box containing 3; plus strand). Cytogenetic location: 5q32.
Variant type: single nucleotide variant.
Coding change: c.137+2T>C on transcript NM_014983.3 (MANE Select); the canonical splice donor site of the intron after coding-DNA position 137, T replaced by C.
Molecular consequence: splice donor variant.
Genome position (GRCh38, 1-based): chr5:150,004,991, T>C. VCF-style: chr5-150004991-T-C. GRCh37 (hg19) VCF-style: chr5-149384554-T-C.
Other names: c.137+2T>C (NM_001366501.2).
Identifiers: ClinVar variation 1676516 (VCV001676516.4), dbSNP rs2113721678, ClinGen allele CA361719476.